The following is an entry in ClinVar:

NM_003227.4(TFR2):c.2318G>A (p.Arg773Gln)

Gene: TFR2 (transferrin receptor 2; minus strand). Cytogenetic location: 7q22.1.
Variant type: single nucleotide variant.
Coding change: c.2318G>A on transcript NM_003227.4 (MANE Select); coding-DNA position 2318, G replaced by A.
Protein change: p.Arg773Gln; replaces arginine 773 with glutamine.
Molecular consequence: missense variant.
Genome position (GRCh38, 1-based): chr7:100,620,945, C>T on the plus strand (G>A on the coding strand, the complement: TFR2 is on the minus strand). VCF-style: chr7-100620945-C-T. GRCh37 (hg19) VCF-style: chr7-100218568-C-T.
Other names: c.1805G>A, p.Arg602Gln (NM_001206855.3); c.2318G>A (NM_003227.3); short protein forms R773Q, R602Q.
Identifiers: ClinVar variation 1402073 (VCV001402073.6), dbSNP rs369462289, ClinGen allele CA4386156.
Genomic context (GRCh38, chr7:100,620,945, plus strand): 5'-TCCCCGCTAAGCGCATTGGCTGCCCCTTGCAGCGTCCAGGTGAGCAGGGCTAGCTGACGC[C>T]GGAAACGGCTCTCCTGGAAGCCAGTGGAGGAGGTGGCCCCGGGGGTCCCGGAGCTGTTGG-3'
Protein context (NP_003218.2, residues 763-783): SSTGFQESRF[Arg773Gln]RQLALLTWTL

ClinVar aggregate classification (germline): Uncertain significance. Review status: criteria provided, multiple submitters, no conflicts (2 of 4 stars). 2 submissions from 2 submitters: Uncertain significance (2). Last evaluated 2024-06-13.

Conditions:
Inborn genetic diseases. Identifiers: MedGen C0950123, MeSH D030342.
Hereditary hemochromatosis (HFE). Identifiers: MedGen C0392514, MONDO:0006507. Disease mechanism: loss of function.

Allele frequency attached by ClinVar (database versions not stated): gnomAD exomes 0.00002; ExAC 0.00004; TOPMed 0.00002; gnomAD 0.00001; ESP Exome Variant Server 0.00008.
gnomAD v4.1: 39 of 1,613,818 alleles (0.0024%); highest among the groups gnomAD compares: South Asian, 0.013%; no homozygotes.

Submissions (2):

Ambry Genetics
Classification: Uncertain significance for Inborn genetic diseases. Last evaluated: 2024-06-13. Review status: criteria provided, single submitter. Criteria: Ambry Variant Classification Scheme 2023. Collection method: clinical testing. Allele origin: germline.

Labcorp Genetics (formerly Invitae), Labcorp
Classification: Uncertain significance for Hereditary hemochromatosis. Last evaluated: 2021-09-17. Review status: criteria provided, single submitter. Criteria: Invitae Variant Classification Sherloc (09022015). Collection method: clinical testing. Allele origin: germline.
Comment: This sequence change replaces arginine with glutamine at codon 773 of the TFR2 protein (p.Arg773Gln). The arginine residue is highly conserved and there is a small physicochemical difference between arginine and glutamine. This variant is present in population databases (rs369462289, ExAC 0.02%). This variant has not been reported in the literature in individuals with TFR2-related disease. Algorithms developed to predict the effect of missense changes on protein structure and function (SIFT, PolyPhen-2, Align-GVGD) all suggest that this variant is likely to be disruptive, but these predictions have not been confirmed by published functional studies and their clinical significance is uncertain. In summary, the available evidence is currently insufficient to determine the role of this variant in disease. Therefore, it has been classified as a Variant of Uncertain Significance.